The following is an entry in ClinVar:

ClinVar aggregate classification (germline): Pathogenic. Review status: no assertion criteria provided (0 of 4 stars). 2 submissions from 2 submitters: Pathogenic (2). Last evaluated 2019-06-14.

Conditions:
Keipert syndrome (KPTS). Identifiers: Orphanet 2662, MedGen C1850627, MONDO:0009720, OMIM 301026.

Submissions (2):

OMIM
Classification: Pathogenic for KEIPERT SYNDROME. Last evaluated: 2019-06-14. Review status: no assertion criteria provided. Collection method: literature only. Allele origin: germline.

Neurogenetics Research; Murdoch Childrens Research Institute
Classification: Pathogenic for Keipert syndrome. Last evaluated: 2018-02-01. Review status: no assertion criteria provided. Collection method: research. Allele origin: germline. Affected: yes.
Comment: Pathogenic variants in GPC4 cause Keipert syndrome (nasodigitoacoustic syndrome)

Literature cited by the submitters: PubMed 30982611 (cited by OMIM).

NM_001448.3(GPC4):c.701dup (p.Val235fs)

Gene: GPC4 (glypican 4; minus strand). Cytogenetic location: Xq26.2.
Variant type: Duplication.
Coding change: c.701dup on transcript NM_001448.3 (MANE Select); coding-DNA position 701, one base duplicated (A; older notation c.701dupA).
Protein change: p.Val235fs; shifts the reading frame from valine 235.
Molecular consequence: frameshift variant.
Genome position (GRCh38, 1-based): chrX:133,324,155, T duplicated on the plus strand (A on the coding strand, the reverse complement: GPC4 is on the minus strand); the first of 2 consecutive T bases (chrX:133,324,155-133,324,156); duplicating either gives the same sequence. VCF-style (leftmost placement, unchanged base first): chrX-133324154-C-CT. GRCh37 (hg19) VCF-style: chrX-132458182-C-CT.
Other names: short protein forms V235fs.
Identifiers: ClinVar variation 547176 (VCV000547176.3), dbSNP rs1556025980, ClinGen allele CA658824260.
Genomic context (GRCh38, chrX:133,324,154, plus strand): 5'-CATGAAAGAAAACAAAACAAAAACAAAACAGAGAAGACAAGGAGTACTTACCACGGAGAC[C>CT]TTGCTCACGACATCTCCCGCAACCGCTAAGCCTTGAGCGAAAGTACGGGCTGCTACAAAA-3'